The following is an entry in ClinVar:

ClinVar aggregate classification (germline): Likely pathogenic (1 of 4 stars; one submission).

Conditions:
Familial adenomatous polyposis 2. Also called: COLORECTAL ADENOMATOUS POLYPOSIS, AUTOSOMAL RECESSIVE; ADENOMAS, MULTIPLE COLORECTAL, AUTOSOMAL RECESSIVE; MYH-associated polyposis; MUTYH-associated polyposis; MUTYH-related attenuated familial adenomatous polyposis; MUTYH Polyposis. Identifiers: Orphanet 220460, Orphanet 247798, MedGen C3272841, MONDO:0012041, OMIM 608456.

Submission:

All of Us Research Program, National Institutes of Health
Classification: Likely pathogenic for Familial adenomatous polyposis 2. Last evaluated: 2023-04-15. Review status: criteria provided, single submitter. Criteria: ACMG Guidelines, 2015. Collection method: clinical testing. Allele origin: germline. Inheritance: Autosomal recessive inheritance. Observed: 1 variant allele, 1 compound heterozygote.
Comment: This variant is predicted to result in loss of protein function through nonsense-mediated or protein truncation. Loss of function is an established mechanism of disease. This variant is absent from large population databases, including the Genome Aggregation Database.

This study involves interpretation of variants in research participants for the purpose of population health screening. Participant phenotype was not available at the time of variant classification. Additional details can be found in publication PMID: 35346344, PMCID: PMC8962531

NM_001048174.2(MUTYH):c.516dup (p.Met173fs)

Gene: MUTYH (mutY DNA glycosylase; minus strand). Cytogenetic location: 1p34.1.
Variant type: Duplication.
Coding change: c.516dup on transcript NM_001048174.2 (MANE Select); coding-DNA position 516, one base duplicated (C; older notation c.516dupC).
Protein change: p.Met173fs; shifts the reading frame from methionine 173.
Molecular consequence: frameshift variant. On other transcripts: non-coding transcript variant (7).
Genome position (GRCh38, 1-based): chr1:45,332,664, G duplicated on the plus strand (C on the coding strand, the reverse complement: MUTYH is on the minus strand). VCF-style (leftmost placement, unchanged base first): chr1-45332663-T-TG. GRCh37 (hg19) VCF-style: chr1-45798335-T-TG.
Other names: c.240dup, p.Met81fs (NM_001293192.2, NM_001293196.2, NM_001407091.1); c.516dup, p.Met173fs (NM_001293195.2, NM_001407070.1, NM_001407072.1 and 6 more transcripts); c.171dup, p.Met58fs (NM_001350650.2, NM_001350651.2, NM_001407082.1); c.549dup, p.Met184fs (NM_001407069.1, NM_001407077.1, NM_001293191.2); c.519dup, p.Met174fs (NM_001407071.1, NM_001407078.1, NM_001407086.1 and 1 more transcripts); c.432dup, p.Met145fs (NM_001407075.1); c.477dup, p.Met160fs (NM_001407079.1); c.474dup, p.Met159fs (NM_001407080.1); and 5 more; short protein forms M145fs, M159fs, M160fs, M173fs, M174fs, M180fs, M184fs, M187fs.
Identifiers: ClinVar variation 3070342 (VCV003070342.1), dbSNP rs2524154093, ClinGen allele CA2825000965.